The following is an entry in ClinVar:

NM_001041.4(SI):c.825C>T (p.Tyr275=)

Gene: SI (sucrase-isomaltase; minus strand). Cytogenetic location: 3q26.1.
Variant type: single nucleotide variant.
Coding change: c.825C>T on transcript NM_001041.4 (MANE Select); coding-DNA position 825, C replaced by T.
Protein change: p.Tyr275=; no amino-acid change (tyrosine 275 retained).
Molecular consequence: synonymous variant.
Genome position (GRCh38, 1-based): chr3:165,063,524, G>A on the plus strand (C>T on the coding strand, the complement: SI is on the minus strand). VCF-style: chr3-165063524-G-A. GRCh37 (hg19) VCF-style: chr3-164781312-G-A.
Identifiers: ClinVar variation 903239 (VCV000903239.27), dbSNP rs139867598, ClinGen allele CA2691294.

ClinVar aggregate classification (germline): Conflicting classifications of pathogenicity. Review status: criteria provided, conflicting classifications (1 of 4 stars). 4 submissions from 4 submitters: Uncertain significance (1); Benign (1); Likely benign (2). Last evaluated 2026-01-28.

Conditions:
Sucrase-isomaltase deficiency (CSID). Also called: SI DEFICIENCY; Deficiency of isomaltase; Congenital sucrose isomaltose malabsorption; Sucrose isomaltose enzyme deficiency. Identifiers: Orphanet 35122, MedGen C1283620, MONDO:0009114, OMIM 222900.

Allele frequency attached by ClinVar (database versions not stated): 1000 Genomes Project 0.00040; 1000 Genomes Project 30x 0.00047; gnomAD exomes 0.00065 and 0.00106; gnomAD 0.00079 and 0.00086; TOPMed 0.00087; ExAC 0.00091; ESP Exome Variant Server 0.00094.

Submissions (4):

Labcorp Genetics (formerly Invitae), Labcorp
Classification: Benign. Last evaluated: 2026-01-28. Review status: criteria provided, single submitter. Criteria: Invitae Variant Classification Sherloc (09022015). Collection method: clinical testing. Allele origin: germline.

CeGaT Center for Human Genetics Tuebingen
Classification: Likely benign. Last evaluated: 2024-11-01. Review status: criteria provided, single submitter. Criteria: CeGaT Center For Human Genetics Tuebingen Variant Classification Criteria Version 2. Collection method: clinical testing. Allele origin: germline. Affected: yes. Observed: 1 variant allele.
Comment: SI: BP4, BS1

Blueprint Genetics
Classification: Likely benign. Last evaluated: 2024-10-23. Review status: criteria provided, single submitter. Criteria: ACMG Guidelines, 2015. Collection method: clinical testing. Allele origin: germline.

Illumina Laboratory Services, Illumina
Classification: Uncertain significance for Sucrase-isomaltase deficiency. Last evaluated: 2017-04-27. Review status: criteria provided, single submitter. Criteria: ICSL Variant Classification Criteria 13 December 2019. Collection method: clinical testing. Allele origin: germline.